The following is an entry in ClinVar:

ClinVar aggregate classification (germline): Uncertain significance (1 of 4 stars; one submission).

Submission:

GeneDx
Classification: Uncertain significance. Last evaluated: 2019-04-29. Review status: criteria provided, single submitter. Criteria: GeneDx Variant Classification Process June 2021. Collection method: clinical testing. Allele origin: germline. Affected: yes.
Comment: Not observed in large population cohorts (Lek et al., 2016); In silico analysis, which includes protein predictors and evolutionary conservation, supports a deleterious effect; Has not been previously published as pathogenic or benign to our knowledge

NM_001378452.1(ITPR1):c.526G>A (p.Val176Met)

Gene: ITPR1 (inositol 1,4,5-trisphosphate receptor type 1; plus strand). Cytogenetic location: 3p26.1.
Variant type: single nucleotide variant.
Coding change: c.526G>A on transcript NM_001378452.1 (MANE Select); coding-DNA position 526, G replaced by A.
Protein change: p.Val176Met; replaces valine 176 with methionine.
Molecular consequence: missense variant.
Genome position (GRCh38, 1-based): chr3:4,644,136, G>A. VCF-style: chr3-4644136-G-A. GRCh37 (hg19) VCF-style: chr3-4685820-G-A.
Other names: c.526G>A, p.Val176Met (NM_001099952.4, NM_001168272.2, NM_002222.7); short protein forms V176M.
Identifiers: ClinVar variation 1305270 (VCV001305270.2), dbSNP rs2125156618, ClinGen allele CA351635441.